The following is an entry in ClinVar:

NM_003106.4(SOX2):c.890A>G (p.His297Arg)

Genes: SOX2 (SRY-box transcription factor 2; plus strand), SOX2-OT (SOX2 overlapping transcript; plus strand). Cytogenetic location: 3q26.33.
Variant type: single nucleotide variant.
Coding change: c.890A>G on transcript NM_003106.4 (MANE Select); coding-DNA position 890, A replaced by G.
Protein change: p.His297Arg; replaces histidine 297 with arginine.
Molecular consequence: missense variant.
Genome position (GRCh38, 1-based): chr3:181,713,250, A>G. VCF-style: chr3-181713250-A-G. GRCh37 (hg19) VCF-style: chr3-181431038-A-G.
Other names: c.890A>G (NM_003106.3); short protein forms H297R.
Identifiers: ClinVar variation 1666173 (VCV001666173.10), dbSNP rs1338979266, ClinGen allele CA355474882.

ClinVar aggregate classification (germline): Conflicting classifications of pathogenicity. Review status: criteria provided, conflicting classifications (1 of 4 stars). 3 submissions from 3 submitters: Uncertain significance (2); Likely benign (1). Last evaluated 2023-08-31.

Conditions:
Inborn genetic diseases. Identifiers: MedGen C0950123, MeSH D030342.
Anophthalmia/microphthalmia-esophageal atresia syndrome (MCOPS3). Also called: MICROPHTHALMIA AND ESOPHAGEAL ATRESIA SYNDROME; AEG SYNDROME; SOX2 Disorder. Identifiers: Orphanet 77298, MedGen C1859773, MONDO:0008799, OMIM 206900.

Submissions (3):

GeneDx
Classification: Uncertain significance. Last evaluated: 2023-08-31. Review status: criteria provided, single submitter. Criteria: GeneDx Variant Classification Process June 2021. Collection method: clinical testing. Allele origin: germline. Affected: yes.
Comment: In silico analysis supports that this missense variant has a deleterious effect on protein structure/function; Has not been previously published as pathogenic or benign to our knowledge

Labcorp Genetics (formerly Invitae), Labcorp
Classification: Likely benign for Anophthalmia/microphthalmia-esophageal atresia syndrome. Last evaluated: 2021-11-29. Review status: criteria provided, single submitter. Criteria: Invitae Variant Classification Sherloc (09022015). Collection method: clinical testing. Allele origin: germline.

Ambry Genetics
Classification: Uncertain significance for Inborn genetic diseases. Last evaluated: 2021-07-09. Review status: criteria provided, single submitter. Criteria: Ambry Variant Classification Scheme 2023. Collection method: clinical testing. Allele origin: germline.